The following is an entry in ClinVar:

ClinVar aggregate classification (germline): Likely benign (1 of 4 stars; one submission).

Submission:

Mayo Clinic Laboratories, Mayo Clinic
Classification: Likely benign. Last evaluated: 2025-03-10. Review status: criteria provided, single submitter. Criteria: ACMG Guidelines, 2015. Collection method: clinical testing. Allele origin: germline. Observed: 1 variant allele.
Comment: BP4, BP7

NM_004715.5(CTDP1):c.180C>T (p.Ser60=)

Gene: CTDP1 (CTD phosphatase subunit 1; plus strand). Cytogenetic location: 18q23.
Variant type: single nucleotide variant.
Coding change: c.180C>T on transcript NM_004715.5 (MANE Select); coding-DNA position 180, C replaced by T.
Protein change: p.Ser60=; no amino-acid change (serine 60 retained).
Molecular consequence: synonymous variant.
Genome position (GRCh38, 1-based): chr18:79,680,127, C>T. VCF-style: chr18-79680127-C-T. GRCh37 (hg19) VCF-style: chr18-77440127-C-T.
Other names: p.Ser60=; c.180C>T, p.Ser60= (NM_001318511.2, NM_048368.4).
Identifiers: ClinVar variation 4684290 (VCV004684290.1).